The following is an entry in ClinVar:

NM_001101389.1(CLDN25):c.168T>C (p.Asp56=)

Gene: CLDN25 (claudin 25; plus strand). Cytogenetic location: 11q23.2.
Variant type: single nucleotide variant.
Coding change: c.168T>C on transcript NM_001101389.1 (MANE Select); coding-DNA position 168, T replaced by C.
Protein change: p.Asp56=; no amino-acid change (aspartic acid 56 retained).
Molecular consequence: synonymous variant.
Genome position (GRCh38, 1-based): chr11:113,779,963, T>C. VCF-style: chr11-113779963-T-C. GRCh37 (hg19) VCF-style: chr11-113650685-T-C.
Identifiers: ClinVar variation 3389894 (VCV003389894.14).

ClinVar aggregate classification (germline): Likely benign (1 of 4 stars; one submission).

Submission:

CeGaT Center for Human Genetics Tuebingen
Classification: Likely benign. Last evaluated: 2025-01-01. Review status: criteria provided, single submitter. Criteria: CeGaT Center For Human Genetics Tuebingen Variant Classification Criteria Version 2. Collection method: clinical testing. Allele origin: germline. Affected: yes. Observed: 1 variant allele.
Comment: CLDN25: PM2:Supporting, BP4, BP7